The following is an entry in ClinVar:

ClinVar aggregate classification (germline): Uncertain significance. Review status: criteria provided, multiple submitters, no conflicts (2 of 4 stars). 2 submissions from 2 submitters: Uncertain significance (2). Last evaluated 2026-02-17.

Conditions:
Inborn genetic diseases. Identifiers: MedGen C0950123, MeSH D030342.

Allele frequency attached by ClinVar (database versions not stated): gnomAD exomes below 0.00001; ExAC 0.00002; ESP Exome Variant Server 0.00008; gnomAD 0.00009; TOPMed 0.00011.
gnomAD v4.1: 18 of 1,613,792 alleles (0.0011%); highest among the groups gnomAD compares: African/African-American, 0.024%; 1 homozygote.

Submissions (2):

Women's Health and Genetics/Laboratory Corporation of America, LabCorp
Classification: Uncertain significance. Last evaluated: 2026-02-17. Review status: criteria provided, single submitter. Criteria: LabCorp Variant Classification Summary - May 2015. Collection method: clinical testing. Allele origin: germline.
Comment: Variant summary: MYO15A c.6398A>G (p.Asn2133Ser) results in a conservative amino acid change in the encoded protein sequence. Algorithms developed to predict the effect of missense changes on protein structure and function are either unavailable or do not agree on the potential impact of this missense change. The variant allele was found at a frequency of 8e-06 in 248940 control chromosomes. The available data on variant occurrences in the general population are insufficient to allow any conclusion about variant significance. To our knowledge, no occurrence of c.6398A>G in individuals affected with MYO15A-related conditions and no experimental evidence demonstrating its impact on protein function have been reported. ClinVar contains an entry for this variant (Variation ID: 3161137). Based on the evidence outlined above, the variant was classified as uncertain significance.

Ambry Genetics
Classification: Uncertain significance for Inborn genetic diseases. Last evaluated: 2024-01-04. Review status: criteria provided, single submitter. Criteria: Ambry Variant Classification Scheme 2023. Collection method: clinical testing. Allele origin: germline.

NM_016239.4(MYO15A):c.6398A>G (p.Asn2133Ser)

Gene: MYO15A (myosin XVA; plus strand). Cytogenetic location: 17p11.2.
Variant type: single nucleotide variant.
Coding change: c.6398A>G on transcript NM_016239.4 (MANE Select); coding-DNA position 6398, A replaced by G.
Protein change: p.Asn2133Ser; replaces asparagine 2133 with serine.
Molecular consequence: missense variant.
Genome position (GRCh38, 1-based): chr17:18,145,996, A>G. VCF-style: chr17-18145996-A-G. GRCh37 (hg19) VCF-style: chr17-18049310-A-G.
Other names: short protein forms N2133S.
Identifiers: ClinVar variation 3161137 (VCV003161137.2), dbSNP rs371677606, ClinGen allele CA8424585.